The following is an entry in ClinVar:

NM_002303.6(LEPR):c.1373C>A (p.Ala458Glu)

Gene: LEPR (leptin receptor; plus strand). Cytogenetic location: 1p31.3.
Variant type: single nucleotide variant.
Coding change: c.1373C>A on transcript NM_002303.6 (MANE Select); coding-DNA position 1373, C replaced by A.
Protein change: p.Ala458Glu; replaces alanine 458 with glutamic acid.
Molecular consequence: missense variant.
Genome position (GRCh38, 1-based): chr1:65,601,930, C>A. VCF-style: chr1-65601930-C-A. GRCh37 (hg19) VCF-style: chr1-66067613-C-A.
Other names: c.1373C>A, p.Ala458Glu (NM_001003679.3, NM_001003680.3, NM_001198687.2 and 2 more transcripts); short protein forms A458E.
Identifiers: ClinVar variation 2631052 (VCV002631052.2), dbSNP rs138922570, ClinGen allele CA340669103.

ClinVar aggregate classification (germline): Uncertain significance (1 of 4 stars; one submission).

Conditions:
LEPR-related disorder. Also called: LEPR-related condition; LEPR-related disorders.

gnomAD v4.1: 5 of 1,613,528 alleles (0.00031%); highest among the groups gnomAD compares: Non-Finnish European, 0.00042%; no homozygotes.

Submission:

PreventionGenetics, part of Exact Sciences
Classification: Uncertain significance for LEPR-related condition. Last evaluated: 2025-04-27. Review status: criteria provided, single submitter. Criteria: ACMG Guidelines, 2015. Collection method: clinical testing. Allele origin: germline.
Comment: The LEPR c.1373C>A variant is predicted to result in the amino acid substitution p.Ala458Glu. To our knowledge, this variant has not been reported in the literature. This variant is reported in 0.00088% of alleles in individuals of European (Non-Finnish) descent in gnomAD. At this time, the clinical significance of this variant is uncertain due to the absence of conclusive functional and genetic evidence.